The following is an entry in ClinVar:

NM_015122.3(FCHO1):c.1042G>A (p.Asp348Asn)

Gene: FCHO1 (FCH and mu domain containing endocytic adaptor 1; plus strand). Cytogenetic location: 19p13.11.
Variant type: single nucleotide variant.
Coding change: c.1042G>A on transcript NM_015122.3 (MANE Select); coding-DNA position 1042, G replaced by A.
Protein change: p.Asp348Asn; replaces aspartic acid 348 with asparagine.
Molecular consequence: missense variant. On other transcripts: non-coding transcript variant (36).
Genome position (GRCh38, 1-based): chr19:17,776,021, G>A. VCF-style: chr19-17776021-G-A. GRCh37 (hg19) VCF-style: chr19-17886830-G-A.
Other names: c.1042G>A, p.Asp348Asn (NM_001161357.2, NM_001161358.2, NM_001384370.1 and 25 more transcripts); c.892G>A, p.Asp298Asn (NM_001161359.2, NM_001384384.1, NM_001384385.1 and 3 more transcripts); c.1003G>A, p.Asp335Asn (NM_001384388.1, NM_001384389.1, NM_001384405.1); c.967G>A, p.Asp323Asn (NM_001384390.1); c.997G>A, p.Asp333Asn (NM_001384403.1); short protein forms D348N, D298N, D323N, D333N, D335N.
Identifiers: ClinVar variation 1434499 (VCV001434499.8), dbSNP rs781383645, ClinGen allele CA9300375.

ClinVar aggregate classification (germline): Uncertain significance (1 of 4 stars; one submission).

Allele frequency attached by ClinVar (database versions not stated): gnomAD exomes below 0.00001; ExAC 0.00001; gnomAD 0.00001; TOPMed 0.00001.
gnomAD v4.1: 6 of 1,609,238 alleles (0.00037%); highest among the groups gnomAD compares: Non-Finnish European, 0.00051%; no homozygotes.

Submission:

Labcorp Genetics (formerly Invitae), Labcorp
Classification: Uncertain significance. Last evaluated: 2022-09-08. Review status: criteria provided, single submitter. Criteria: Invitae Variant Classification Sherloc (09022015). Collection method: clinical testing. Allele origin: germline.
Comment: In summary, the available evidence is currently insufficient to determine the role of this variant in disease. Therefore, it has been classified as a Variant of Uncertain Significance. This sequence change replaces aspartic acid, which is acidic and polar, with asparagine, which is neutral and polar, at codon 348 of the FCHO1 protein (p.Asp348Asn). This variant is present in population databases (rs781383645, gnomAD 0.0009%). This variant has not been reported in the literature in individuals affected with FCHO1-related conditions. ClinVar contains an entry for this variant (Variation ID: 1434499). Algorithms developed to predict the effect of missense changes on protein structure and function are either unavailable or do not agree on the potential impact of this missense change (SIFT: "Tolerated"; PolyPhen-2: "Probably Damaging"; Align-GVGD: "Class C0").